The following is an entry in ClinVar:

ClinVar aggregate classification (germline): Uncertain significance. Review status: criteria provided, single submitter (1 of 4 stars). 3 submissions from 3 submitters: Uncertain significance (1). 2 of the submissions do not count toward it. Last evaluated 2022-07-18.

Conditions:
Walker-Warburg congenital muscular dystrophy. Also called: Muscular dystrophy-dystroglycanopathy, type A; Walker-Warburg syndrome. Identifiers: Orphanet 899, MedGen C0265221, MONDO:0000171.
Autosomal recessive limb-girdle muscular dystrophy type 2I. Also called: MUSCULAR DYSTROPHY-DYSTROGLYCANOPATHY, LIMB-GIRDLE, FRKP-RELATED; MUSCULAR DYSTROPHY, LIMB-GIRDLE, TYPE 2I; MUSCULAR DYSTROPHY-DYSTROGLYCANOPATHY (LIMB-GIRDLE), TYPE C, 5. Identifiers: Orphanet 34515, MedGen C1846672, MONDO:0011787, OMIM 607155.

Allele frequency attached by ClinVar (database versions not stated): ExAC below 0.00001.

Submissions (3):

Labcorp Genetics (formerly Invitae), Labcorp
Classification: Uncertain significance for Walker-Warburg congenital muscular dystrophy. Last evaluated: 2022-07-18. Review status: criteria provided, single submitter. Criteria: Invitae Variant Classification Sherloc (09022015). Collection method: clinical testing. Allele origin: germline.
Comment: This sequence change replaces arginine, which is basic and polar, with tryptophan, which is neutral and slightly polar, at codon 134 of the FKRP protein (p.Arg134Trp). This variant is not present in population databases (gnomAD no frequency). This missense change has been observed in individual(s) with limb-girdle muscular dystrophy (PMID: 14647208). It has also been observed to segregate with disease in related individuals. ClinVar contains an entry for this variant (Variation ID: 4231). Algorithms developed to predict the effect of missense changes on protein structure and function are either unavailable or do not agree on the potential impact of this missense change (SIFT: "Deleterious"; PolyPhen-2: "Possibly Damaging"; Align-GVGD: "Class C0"). This variant disrupts the p.Arg134 amino acid residue in FKRP. Other variant(s) that disrupt this residue have been observed in individuals with FKRP-related conditions (PMID: 33200426), which suggests that this may be a clinically significant amino acid residue. In summary, the available evidence is currently insufficient to determine the role of this variant in disease. Therefore, it has been classified as a Variant of Uncertain Significance.

Counsyl
Classification: Uncertain significance for Autosomal recessive limb-girdle muscular dystrophy type 2I. Last evaluated: 2018-02-20. Review status: no assertion criteria provided. Collection method: clinical testing. Allele origin: unknown. Not counted in ClinVar's aggregate classification.

OMIM
Classification: Pathogenic for MUSCULAR DYSTROPHY-DYSTROGLYCANOPATHY (LIMB-GIRDLE), TYPE C, 5. Last evaluated: 2003-12-01. Review status: no assertion criteria provided. Collection method: literature only. Allele origin: germline. Not counted in ClinVar's aggregate classification.

Literature cited by the submitters: PubMed 14647208 (cited by 3 submitters); PubMed 33200426 (cited by Labcorp Genetics (formerly Invitae), Labcorp).

NM_024301.5(FKRP):c.400C>T (p.Arg134Trp)

Gene: FKRP (fukutin related protein; plus strand). Cytogenetic location: 19q13.32.
Variant type: single nucleotide variant.
Coding change: c.400C>T on transcript NM_024301.5 (MANE Select); coding-DNA position 400, C replaced by T.
Protein change: p.Arg134Trp; replaces arginine 134 with tryptophan.
Molecular consequence: missense variant.
Genome position (GRCh38, 1-based): chr19:46,755,850, C>T. VCF-style: chr19-46755850-C-T. GRCh37 (hg19) VCF-style: chr19-47259107-C-T.
Other names: c.400C>T, p.Arg134Trp (NM_001039885.3); short protein forms R134W.
Identifiers: ClinVar variation 4231 (VCV000004231.4), dbSNP rs104894690, ClinGen allele CA116720.
Genomic context (GRCh38, chr19:46,755,850, plus strand): 5'-GCCTCGCGCCCGGAGACCTACGTGGCCACCGAGTTTGTGGCCCTAGTACCTGATGGGGCG[C>T]GGGCTGAGGCACCTGGCCTGCTGGAGCGCATGGTGGAGGCGCTCCGCGCAGGAAGCGCAC-3'
Protein context (NP_077277.1, residues 124-144): EFVALVPDGA[Arg134Trp]AEAPGLLERM